The following is an entry in ClinVar:

NM_000407.5(GP1BB):c.212_244del (p.Pro71_Leu81del)

Genes: GP1BB (glycoprotein Ib platelet subunit beta; plus strand), SEPT5-GP1BB (SEPT5-GP1BB readthrough; plus strand). Cytogenetic location: 22q11.21.
Variant type: Deletion.
Coding change: c.212_244del on transcript NM_000407.5 (MANE Select); coding-DNA positions 212 to 244, 33 bases deleted.
Protein change: p.Pro71_Leu81del.
Molecular consequence: inframe deletion. On other transcripts: non-coding transcript variant (2).
Genome position (GRCh38, 1-based): chr22:19,724,055-19,724,087, 33 bases deleted; deleting any 33 consecutive bases within chr22:19,724,048-19,724,087 gives the same sequence; the c. name uses the placement nearest the transcript's 3' end. GRCh37 (hg19): chr22:19,711,578-19,711,610.
Identifiers: ClinVar variation 2637189 (VCV002637189.1), dbSNP rs2517804793, ClinGen allele CA2695200063.

ClinVar aggregate classification (germline): Uncertain significance (1 of 4 stars; one submission).

Conditions:
GP1BB-related disorder. Also called: GP1BB-related condition.

Submission:

PreventionGenetics, part of Exact Sciences
Classification: Uncertain significance for GP1BB-related condition. Last evaluated: 2022-10-26. Review status: criteria provided, single submitter. Criteria: ACMG Guidelines, 2015. Collection method: clinical testing. Allele origin: germline.
Comment: The GP1BB c.212_244del33 variant is predicted to result in an in-frame deletion (p.Pro71_Leu81del). To our knowledge, this variant has not been reported in the literature or in a large population database, indicating this variant is rare. At this time, the clinical significance of this variant is uncertain due to the absence of conclusive functional and genetic evidence.